The following is an entry in ClinVar:

ClinVar aggregate classification (germline): Uncertain significance (1 of 4 stars; one submission).

Conditions:
Intellectual developmental disorder with macrocephaly, seizures, and speech delay. Identifiers: MedGen C4748428, MONDO:0032568, OMIM 618158.

Submission:

Juno Genomics, Hangzhou Juno Genomics, Inc
Classification: Uncertain significance for Intellectual developmental disorder with macrocephaly, seizures, and speech delay. Review status: criteria provided, single submitter. Criteria: ACMG Guidelines, 2015. Collection method: clinical testing. Allele origin: germline.
Comment: Absent from controls (or at extremely low frequency if recessive) in Genome Aggregation Database.

NM_002576.5(PAK1):c.1580T>C (p.Leu527Pro)

Gene: PAK1 (p21 (RAC1) activated kinase 1; minus strand). Cytogenetic location: 11q13.5.
Variant type: single nucleotide variant.
Coding change: c.1580T>C on transcript NM_002576.5 (MANE Select); coding-DNA position 1580, T replaced by C.
Protein change: p.Leu527Pro; replaces leucine 527 with proline.
Molecular consequence: missense variant. On other transcripts: synonymous variant (7), non-coding transcript variant (2), intron variant (1).
Genome position (GRCh38, 1-based): chr11:77,323,332, A>G on the plus strand (T>C on the coding strand, the complement: PAK1 is on the minus strand). VCF-style: chr11-77323332-A-G. GRCh37 (hg19) VCF-style: chr11-77034377-A-G.
Other names: c.1629T>C, p.Pro543= (NM_001128620.2, NM_001376268.1, NM_001376269.1 and 2 more transcripts); c.1601T>C, p.Leu534Pro (NM_001376272.1); c.1580T>C, p.Leu527Pro (NM_001376273.1, NM_001376274.1, NM_001376275.1 and 12 more transcripts); c.1491T>C, p.Pro497= (NM_001376289.1); c.1457T>C, p.Leu486Pro (NM_001376290.1, NM_001376291.1); c.1442T>C, p.Leu481Pro (NM_001376292.1, NM_001376293.1); c.1433T>C, p.Leu478Pro (NM_001376294.1); c.1403T>C, p.Leu468Pro (NM_001376295.1); and 5 more; short protein forms L468P, L444P, L478P, L527P, L431P, L534P, L429P, L481P.
Identifiers: ClinVar variation 5004996 (VCV005004996.2).